The following is an entry in ClinVar:

ClinVar aggregate classification (germline): Conflicting classifications of pathogenicity. Review status: criteria provided, conflicting classifications (1 of 4 stars). 4 submissions from 4 submitters: Uncertain significance (3); Likely benign (1). Last evaluated 2025-07-15.

Conditions:
Colorectal cancer, susceptibility to, 12 (CRCS12). Also called: COLORECTAL CANCER, SUSCEPTIBILITY TO, ON CHROMOSOME 12q24. Identifiers: Orphanet 220460, MedGen C3554460, MONDO:0014038, OMIM 615083.
Facial dysmorphism-immunodeficiency-livedo-short stature syndrome. Also called: Facial dysmorphism, immunodeficiency, livedo, and short stature; FILS syndrome. Identifiers: Orphanet 352712, MedGen C3554576, MONDO:0014058, OMIM 615139.
Intrauterine growth retardation, metaphyseal dysplasia, adrenal hypoplasia congenita, genital anomalies, and immunodeficiency. Also called: IMAGEI SYNDROME. Identifiers: MedGen C5193036, MONDO:0032684, OMIM 618336.
Hereditary cancer-predisposing syndrome. Also called: Neoplastic Syndromes, Hereditary; Tumor predisposition; Hereditary neoplastic syndrome; Hereditary Cancer Syndrome. Identifiers: Orphanet 140162, MedGen C0027672, MeSH D009386, MONDO:0015356.

Submissions (4):

GeneDx
Classification: Uncertain significance. Last evaluated: 2025-07-15. Review status: criteria provided, single submitter. Criteria: GeneDx Variant Classification Process June 2021. Collection method: clinical testing. Allele origin: germline. Affected: yes.
Comment: Not observed at significant frequency in large population cohorts (gnomAD); In silico analysis supports that this missense variant has a deleterious effect on protein structure/function; Has not been previously published as pathogenic or benign to our knowledge

Labcorp Genetics (formerly Invitae), Labcorp
Classification: Uncertain significance. Last evaluated: 2025-07-15. Review status: criteria provided, single submitter. Criteria: Invitae Variant Classification Sherloc (09022015). Collection method: clinical testing. Allele origin: germline.
Comment: This sequence change replaces asparagine, which is neutral and polar, with serine, which is neutral and polar, at codon 1717 of the POLE protein (p.Asn1717Ser). This variant is not present in population databases (gnomAD no frequency). This variant has not been reported in the literature in individuals affected with POLE-related conditions. ClinVar contains an entry for this variant (Variation ID: 642429). Invitae Evidence Modeling of protein sequence and biophysical properties (such as structural, functional, and spatial information, amino acid conservation, physicochemical variation, residue mobility, and thermodynamic stability) indicates that this missense variant is not expected to disrupt POLE protein function with a negative predictive value of 80%. In summary, the available evidence is currently insufficient to determine the role of this variant in disease. Therefore, it has been classified as a Variant of Uncertain Significance.

Ambry Genetics
Classification: Likely benign for Hereditary cancer-predisposing syndrome. Last evaluated: 2025-02-28. Review status: criteria provided, single submitter. Criteria: Ambry Variant Classification Scheme 2023. Collection method: clinical testing. Allele origin: germline.

Fulgent Genetics
Classification: Uncertain significance for Colorectal cancer, susceptibility to, 12; Facial dysmorphism-immunodeficiency-livedo-short stature syndrome; Intrauterine growth retardation, metaphyseal dysplasia, adrenal hypoplasia congenita, genital anomalies, and immunodeficiency. Last evaluated: 2024-03-08. Review status: criteria provided, single submitter. Criteria: ACMG Guidelines, 2015. Collection method: clinical testing. Allele origin: germline.

NM_006231.4(POLE):c.5150A>G (p.Asn1717Ser)

Gene: POLE (DNA polymerase epsilon, catalytic subunit; minus strand). Cytogenetic location: 12q24.33.
Variant type: single nucleotide variant.
Coding change: c.5150A>G on transcript NM_006231.4 (MANE Select); coding-DNA position 5150, A replaced by G.
Protein change: p.Asn1717Ser; replaces asparagine 1717 with serine.
Molecular consequence: missense variant.
Genome position (GRCh38, 1-based): chr12:132,642,200, T>C on the plus strand (A>G on the coding strand, the complement: POLE is on the minus strand). VCF-style: chr12-132642200-T-C. GRCh37 (hg19) VCF-style: chr12-133218786-T-C.
Other names: short protein forms N1717S.
Identifiers: ClinVar variation 642429 (VCV000642429.14), dbSNP rs1028428160, ClinGen allele CA246303228.